The following is an entry in ClinVar:

ClinVar aggregate classification (germline): Pathogenic (1 of 4 stars; one submission).

Submission:

Labcorp Genetics (formerly Invitae), Labcorp
Classification: Pathogenic. Last evaluated: 2025-09-20. Review status: criteria provided, single submitter. Criteria: Invitae Variant Classification Sherloc (09022015). Collection method: clinical testing. Allele origin: germline.
Comment: This sequence change creates a premature translational stop signal (p.Gly1183Argfs*2) in the COL11A1 gene. It is expected to result in an absent or disrupted protein product. Loss-of-function variants in COL11A1 are known to be pathogenic (PMID: 20513134, 21035103, 23922384, 25240749, 32427345, 32756486). This variant is not present in population databases (gnomAD no frequency). This variant has not been reported in the literature in individuals affected with COL11A1-related conditions. ClinVar contains an entry for this variant (Variation ID: 3721596). For these reasons, this variant has been classified as Pathogenic.

Literature cited by the submitters: PubMed 20513134; PubMed 21035103; PubMed 23922384; PubMed 25240749; PubMed 32427345; PubMed 32756486.

NM_001854.4(COL11A1):c.3546dup (p.Gly1183fs)

Gene: COL11A1 (collagen type XI alpha 1 chain; minus strand). Cytogenetic location: 1p21.1.
Variant type: Duplication.
Coding change: c.3546dup on transcript NM_001854.4 (MANE Select); coding-DNA position 3546, one base duplicated (A; older notation c.3546dupA).
Protein change: p.Gly1183fs; shifts the reading frame from glycine 1183.
Molecular consequence: frameshift variant. On other transcripts: non-coding transcript variant (1).
Genome position (GRCh38, 1-based): chr1:102,934,503, T duplicated on the plus strand (A on the coding strand, the reverse complement: COL11A1 is on the minus strand); the first of 5 consecutive T bases (chr1:102,934,503-102,934,507); duplicating any one gives the same sequence. VCF-style (leftmost placement, unchanged base first): chr1-102934502-C-CT. GRCh37 (hg19) VCF-style: chr1-103400058-C-CT.
Other names: c.3429dup, p.Gly1144fs (NM_001190709.2); c.3582dup, p.Gly1195fs (NM_080629.3); c.3198dup, p.Gly1067fs (NM_080630.4); short protein forms G1144fs, G1183fs, G1195fs, G1067fs.
Identifiers: ClinVar variation 3721596 (VCV003721596.2).